The following is an entry in ClinVar:

NM_001830.4(CLCN4):c.1645A>C (p.Ile549Leu)

Gene: CLCN4 (Cl-/H+ antiporter 4; plus strand). Cytogenetic location: Xp22.2.
Variant type: single nucleotide variant.
Coding change: c.1645A>C on transcript NM_001830.4 (MANE Select); coding-DNA position 1645, A replaced by C.
Protein change: p.Ile549Leu; replaces isoleucine 549 with leucine.
Molecular consequence: missense variant.
Genome position (GRCh38, 1-based): chrX:10,213,749, A>C. VCF-style: chrX-10213749-A-C. GRCh37 (hg19) VCF-style: chrX-10181789-A-C.
Other names: c.1363A>C, p.Ile455Leu (NM_001256944.2); short protein forms I455L, I549L.
Identifiers: ClinVar variation 1304042 (VCV001304042.6), dbSNP rs2147183705, ClinGen allele CA412041590.

ClinVar aggregate classification (germline): Conflicting classifications of pathogenicity. Review status: criteria provided, conflicting classifications (1 of 4 stars). 3 submissions from 3 submitters: Likely pathogenic (1); Uncertain significance (2). Last evaluated 2026-08-03.

Conditions:
Inborn genetic diseases. Identifiers: MedGen C0950123, MeSH D030342.

Submissions (3):

Ambry Genetics
Classification: Likely pathogenic for Inborn genetic diseases. Last evaluated: 2026-08-03. Review status: criteria provided, single submitter. Criteria: Ambry Variant Classification Scheme 2023. Collection method: clinical testing. Allele origin: germline.
Comment: The c.1645A>C (p.I549L) alteration is located in exon 11 (coding exon 9) of the CLCN4 gene. This alteration results from an A to C substitution at nucleotide position 1645, causing the isoleucine (I) at amino acid position 549 to be replaced by a leucine (L). This variant was not reported in population-based cohorts in the Genome Aggregation Database (gnomAD). This variant was reported as hemizygous in individual(s) with features consistent with CLCN4-related neurodevelopmental disorder (Sahly, 2024). This amino acid position is highly conserved in available vertebrate species. This missense alteration is located in a region that has a low rate of benign missense variation (Lek, 2016; Firth, 2009). In an assay testing CLCN4 function, this variant showed a functionally abnormal result (Palmer, 2023). This alteration is predicted to be deleterious by in silico analysis. Based on the available evidence, this alteration is classified as likely pathogenic.

Blueprint Genetics
Classification: Uncertain significance. Last evaluated: 2020-04-06. Review status: criteria provided, single submitter. Criteria: ACMG Guidelines, 2015. Collection method: clinical testing. Allele origin: germline.

GeneDx
Classification: Uncertain significance. Last evaluated: 2019-07-29. Review status: criteria provided, single submitter. Criteria: GeneDx Variant Classification Process June 2021. Collection method: clinical testing. Allele origin: germline. Affected: yes.
Comment: Not observed in large population cohorts (Lek et al., 2016); In silico analysis, which includes protein predictors and evolutionary conservation, supports that this variant does not alter protein structure/function; Has not been previously published as pathogenic or benign to our knowledge

Literature cited by the submitters: PubMed 36385166 (cited by Ambry Genetics); PubMed 38578438 (cited by Ambry Genetics).